The following is an entry in ClinVar:

NM_000540.3(RYR1):c.2059C>T (p.Leu687Phe)

Gene: RYR1 (ryanodine receptor 1; plus strand). Cytogenetic location: 19q13.2.
Variant type: single nucleotide variant.
Coding change: c.2059C>T on transcript NM_000540.3 (MANE Select); coding-DNA position 2059, C replaced by T.
Protein change: p.Leu687Phe; replaces leucine 687 with phenylalanine.
Molecular consequence: missense variant.
Genome position (GRCh38, 1-based): chr19:38,458,184, C>T. VCF-style: chr19-38458184-C-T. GRCh37 (hg19) VCF-style: chr19-38948824-C-T.
Other names: c.2059C>T, p.Leu687Phe (NM_001042723.2); short protein forms L687F.
Identifiers: ClinVar variation 4758989 (VCV004758989.1).

ClinVar aggregate classification (germline): Uncertain significance (1 of 4 stars; one submission).

Conditions:
Malignant hyperthermia, susceptibility to, 1 (MHS1). Also called: RYR1-Related Malignant Hyperthermia Susceptibility; Malignant hyperthermia suceptibility 1; Anesthesia related hyperthermia; Malignant hyperpyrexia; Fulminating hyperpyrexia; Pharmacogenic myopathy. Identifiers: Orphanet 423, MedGen C2930980, MONDO:0007783, OMIM 145600.

gnomAD v4.1: 1 of 1,612,326 alleles (0.000062%); highest among the groups gnomAD compares: Non-Finnish European, 0.000085%; no homozygotes.

Submission:

Color Diagnostics, LLC DBA Color Health
Classification: Uncertain significance for Malignant hyperthermia, susceptibility to, 1. Last evaluated: 2025-08-04. Review status: criteria provided, single submitter. Criteria: ACMG Guidelines, 2015. Collection method: clinical testing. Allele origin: germline.
Comment: This missense variant replaces leucine with phenylalanine at codon 687 of the RYR1 protein. Computational prediction suggests that this variant may not impact protein structure and function. To our knowledge, functional studies have not been reported for this variant. This variant has not been reported in individuals affected with RYR1-related disorders in the literature. This variant has not been identified in the general population by the Genome Aggregation Database (gnomAD). The available evidence is insufficient to determine the role of this variant in disease conclusively. Therefore, this variant is classified as a Variant of Uncertain Significance.